The following is an entry in ClinVar:

NM_016213.5(TRIP4):c.410A>G (p.Gln137Arg)

Gene: TRIP4 (thyroid hormone receptor interactor 4; plus strand). Cytogenetic location: 15q22.31.
Variant type: single nucleotide variant.
Coding change: c.410A>G on transcript NM_016213.5 (MANE Select); coding-DNA position 410, A replaced by G.
Protein change: p.Gln137Arg; replaces glutamine 137 with arginine.
Molecular consequence: missense variant. On other transcripts: 5 prime UTR variant (1), non-coding transcript variant (1).
Genome position (GRCh38, 1-based): chr15:64,397,610, A>G. VCF-style: chr15-64397610-A-G. GRCh37 (hg19) VCF-style: chr15-64689809-A-G.
Other names: c.-281A>G (NM_001321924.2); c.410A>G (NM_016213.4); short protein forms Q137R.
Identifiers: ClinVar variation 1508780 (VCV001508780.7), dbSNP rs768940168, ClinGen allele CA7609374.

ClinVar aggregate classification (germline): Uncertain significance (1 of 4 stars; one submission).

Conditions:
Spinal muscular atrophy with congenital bone fractures 1 (SMABF1). Also called: SMA1 with congenital bone fractures. Identifiers: MedGen C4225177, MONDO:0014806, OMIM 616866.

Allele frequency attached by ClinVar (database versions not stated): TOPMed below 0.00001; ExAC 0.00001; gnomAD exomes 0.00001.
gnomAD v4.1: 14 of 1,611,774 alleles (0.00087%); highest among the groups gnomAD compares: Middle Eastern, 0.017%; no homozygotes.

Submission:

Labcorp Genetics (formerly Invitae), Labcorp
Classification: Uncertain significance. Last evaluated: 2024-10-28. Review status: criteria provided, single submitter. Criteria: Invitae Variant Classification Sherloc (09022015). Collection method: clinical testing. Allele origin: germline.
Comment: This sequence change replaces glutamine, which is neutral and polar, with arginine, which is basic and polar, at codon 137 of the TRIP4 protein (p.Gln137Arg). This variant is present in population databases (rs768940168, gnomAD 0.01%). This variant has not been reported in the literature in individuals affected with TRIP4-related conditions. ClinVar contains an entry for this variant (Variation ID: 1508780). Invitae Evidence Modeling of protein sequence and biophysical properties (such as structural, functional, and spatial information, amino acid conservation, physicochemical variation, residue mobility, and thermodynamic stability) indicates that this missense variant is not expected to disrupt TRIP4 protein function with a negative predictive value of 80%. In summary, the available evidence is currently insufficient to determine the role of this variant in disease. Therefore, it has been classified as a Variant of Uncertain Significance.